The following is an entry in ClinVar:

NM_000540.3(RYR1):c.13882A>G (p.Met4628Val)

Gene: RYR1 (ryanodine receptor 1; plus strand). Cytogenetic location: 19q13.2.
Variant type: single nucleotide variant.
Coding change: c.13882A>G on transcript NM_000540.3 (MANE Select); coding-DNA position 13882, A replaced by G.
Protein change: p.Met4628Val; replaces methionine 4628 with valine.
Molecular consequence: missense variant.
Genome position (GRCh38, 1-based): chr19:38,572,154, A>G. VCF-style: chr19-38572154-A-G. GRCh37 (hg19) VCF-style: chr19-39062794-A-G.
Other names: c.13867A>G, p.Met4623Val (NM_001042723.2); short protein forms M4623V, M4628V.
Identifiers: ClinVar variation 1491606 (VCV001491606.7), dbSNP rs2145869953, ClinGen allele CA405680808.

ClinVar aggregate classification (germline): Uncertain significance. Review status: criteria provided, multiple submitters, no conflicts (2 of 4 stars). 2 submissions from 2 submitters: Uncertain significance (2). Last evaluated 2024-06-17.

Conditions:
RYR1-related disorder. Also called: RYR1-related condition; RYR1-related disorders. Identifiers: MedGen CN239331.
Malignant hyperthermia, susceptibility to, 1 (MHS1). Also called: Anesthesia related hyperthermia; Malignant hyperpyrexia; Fulminating hyperpyrexia; Pharmacogenic myopathy; RYR1-Related Malignant Hyperthermia Susceptibility; Malignant hyperthermia suceptibility 1. Identifiers: Orphanet 423, MedGen C2930980, MONDO:0007783, OMIM 145600.

Allele frequency attached by ClinVar (database versions not stated): gnomAD exomes below 0.00001.
gnomAD v4.1: 2 of 1,613,960 alleles (0.00012%); highest among the groups gnomAD compares: Non-Finnish European, 0.00017%; no homozygotes.

Submissions (2):

All of Us Research Program, National Institutes of Health
Classification: Uncertain significance for Malignant hyperthermia, susceptibility to, 1. Last evaluated: 2024-06-17. Review status: criteria provided, single submitter. Criteria: ACMG Guidelines, 2015. Collection method: clinical testing. Allele origin: germline. Inheritance: Autosomal dominant inheritance. Observed: 1 variant allele, 1 heterozygote.
Comment: This missense variant replaces methionine with valine at codon 4628 of the RYR1 protein. Computational prediction suggests that this variant may not impact protein structure and function (internally defined REVEL score threshold <= 0.5, PMID: 27666373). To our knowledge, functional studies have not been reported for this variant. This variant has not been reported in individuals affected with RYR1-related disorders in the literature. This variant has not been identified in the general population by the Genome Aggregation Database (gnomAD). The available evidence is insufficient to determine the role of this variant in disease conclusively. Therefore, this variant is classified as a Variant of Uncertain Significance.

This study involves interpretation of variants in research participants for the purpose of population health screening. Participant phenotype was not available at the time of variant classification. Additional details can be found in publication PMID: 35346344, PMCID: PMC8962531

Labcorp Genetics (formerly Invitae), Labcorp
Classification: Uncertain significance for RYR1-related disorder. Last evaluated: 2022-08-23. Review status: criteria provided, single submitter. Criteria: Invitae Variant Classification Sherloc (09022015). Collection method: clinical testing. Allele origin: germline.
Comment: This sequence change replaces methionine, which is neutral and non-polar, with valine, which is neutral and non-polar, at codon 4628 of the RYR1 protein (p.Met4628Val). This variant is not present in population databases (gnomAD no frequency). This variant has not been reported in the literature in individuals affected with RYR1-related conditions. ClinVar contains an entry for this variant (Variation ID: 1491606). Advanced modeling of protein sequence and biophysical properties (such as structural, functional, and spatial information, amino acid conservation, physicochemical variation, residue mobility, and thermodynamic stability) performed at Invitae indicates that this missense variant is not expected to disrupt RYR1 protein function. In summary, the available evidence is currently insufficient to determine the role of this variant in disease. Therefore, it has been classified as a Variant of Uncertain Significance.